The following is an entry in ClinVar:

NM_000038.6(APC):c.3016C>T (p.His1006Tyr)

Gene: APC (APC regulator of Wnt signaling pathway; plus strand). Cytogenetic location: 5q22.2.
Variant type: single nucleotide variant.
Coding change: c.3016C>T on transcript NM_000038.6 (MANE Select); coding-DNA position 3016, C replaced by T.
Protein change: p.His1006Tyr; replaces histidine 1006 with tyrosine.
Molecular consequence: missense variant.
Genome position (GRCh38, 1-based): chr5:112,838,610, C>T. VCF-style: chr5-112838610-C-T. GRCh37 (hg19) VCF-style: chr5-112174307-C-T.
Other names: c.3016C>T, p.His1006Tyr (NM_001127510.3, NM_001354895.2); c.2962C>T, p.His988Tyr (NM_001127511.3); c.3070C>T, p.His1024Tyr (NM_001354896.2); c.3046C>T, p.His1016Tyr (NM_001354897.2); c.2941C>T, p.His981Tyr (NM_001354898.2); c.2932C>T, p.His978Tyr (NM_001354899.2); c.2893C>T, p.His965Tyr (NM_001354900.2); c.2839C>T, p.His947Tyr (NM_001354901.2); and 5 more; short protein forms H1006Y, H988Y, H1024Y, H723Y, H846Y, H915Y, H947Y, H880Y.
Identifiers: ClinVar variation 243107 (VCV000243107.18), dbSNP rs879253876, ClinGen allele CA10584246.

ClinVar aggregate classification (germline): Uncertain significance. Review status: criteria provided, multiple submitters, no conflicts (2 of 4 stars). 5 submissions from 5 submitters: Uncertain significance (5). Last evaluated 2025-10-28.

Conditions:
Classic or attenuated familial adenomatous polyposis. Identifiers: MedGen CN372698, MONDO:0021057.
Hereditary cancer-predisposing syndrome. Also called: Tumor predisposition; Neoplastic Syndromes, Hereditary; Hereditary Cancer Syndrome; Hereditary neoplastic syndrome. Identifiers: Orphanet 140162, MedGen C0027672, MeSH D009386, MONDO:0015356.
Familial adenomatous polyposis 1 (FAP1). Also called: POLYPOSIS, ADENOMATOUS INTESTINAL; FAMILIAL ADENOMATOUS POLYPOSIS 1, ATTENUATED. Identifiers: MedGen C2713442, MONDO:0021056, OMIM 175100. Disease mechanism: loss of function.

Allele frequency attached by ClinVar (database versions not stated): TOPMed below 0.00001; gnomAD 0.00001.
gnomAD v4.1: 8 of 1,613,938 alleles (0.0005%); highest among the groups gnomAD compares: Non-Finnish European, 0.00068%; no homozygotes.

Submissions (5):

Labcorp Genetics (formerly Invitae), Labcorp
Classification: Uncertain significance for Familial adenomatous polyposis 1. Last evaluated: 2025-10-28. Review status: criteria provided, single submitter. Criteria: Invitae Variant Classification Sherloc (09022015). Collection method: clinical testing. Allele origin: germline.
Comment: This sequence change replaces histidine, which is basic and polar, with tyrosine, which is neutral and polar, at codon 1006 of the APC protein (p.His1006Tyr). This variant is not present in population databases (gnomAD no frequency). This variant has not been reported in the literature in individuals affected with APC-related conditions. ClinVar contains an entry for this variant (Variation ID: 243107). Invitae Evidence Modeling of protein sequence and biophysical properties (such as structural, functional, and spatial information, amino acid conservation, physicochemical variation, residue mobility, and thermodynamic stability) indicates that this missense variant is not expected to disrupt APC protein function with a negative predictive value of 95%. In summary, the available evidence is currently insufficient to determine the role of this variant in disease. Therefore, it has been classified as a Variant of Uncertain Significance.

All of Us Research Program, National Institutes of Health
Classification: Uncertain significance for Classic or attenuated familial adenomatous polyposis. Last evaluated: 2024-03-14. Review status: criteria provided, single submitter. Criteria: ACMG Guidelines, 2015. Collection method: clinical testing. Allele origin: germline. Inheritance: Autosomal dominant inheritance. Observed: 1 variant allele, 1 heterozygote.
Comment: This missense variant replaces histidine with tyrosine at codon 1006 of the APC protein. Computational prediction is inconclusive regarding the impact of this variant on protein structure and function (internally defined REVEL score threshold 0.5 < inconclusive < 0.7, PMID: 27666373). To our knowledge, functional studies have not been reported for this variant. This variant has not been reported in individuals affected with APC-related disorders in the literature. This variant has not been identified in the general population by the Genome Aggregation Database (gnomAD). The available evidence is insufficient to determine the role of this variant in disease conclusively. Therefore, this variant is classified as a Variant of Uncertain Significance.

This study involves interpretation of variants in research participants for the purpose of population health screening. Participant phenotype was not available at the time of variant classification. Additional details can be found in publication PMID: 35346344, PMCID: PMC8962531

Ambry Genetics
Classification: Uncertain significance for Hereditary cancer-predisposing syndrome. Last evaluated: 2024-01-22. Review status: criteria provided, single submitter. Criteria: Ambry Variant Classification Scheme 2023. Collection method: clinical testing. Allele origin: germline.
Comment: The p.H1006Y variant (also known as c.3016C>T), located in coding exon 15 of the APC gene, results from a C to T substitution at nucleotide position 3016. The histidine at codon 1006 is replaced by tyrosine, an amino acid with similar properties. This amino acid position is highly conserved in available vertebrate species. In addition, in silico predictors for this gene do not accurately predict pathogenicity. Since supporting evidence is limited at this time, the clinical significance of this alteration remains unclear.

Color Diagnostics, LLC DBA Color Health
Classification: Uncertain significance for Hereditary cancer-predisposing syndrome. Last evaluated: 2023-12-05. Review status: criteria provided, single submitter. Criteria: ACMG Guidelines, 2015. Collection method: clinical testing. Allele origin: germline.
Comment: This missense variant replaces histidine with tyrosine at codon 1006 of the APC protein. Computational prediction is inconclusive regarding the impact of this variant on protein structure and function (internally defined REVEL score threshold 0.5 < inconclusive < 0.7, PMID: 27666373). To our knowledge, functional studies have not been reported for this variant. This variant has not been reported in individuals affected with APC-related disorders in the literature. This variant has not been identified in the general population by the Genome Aggregation Database (gnomAD). The available evidence is insufficient to determine the role of this variant in disease conclusively. Therefore, this variant is classified as a Variant of Uncertain Significance.

GeneDx
Classification: Uncertain significance. Last evaluated: 2016-02-29. Review status: criteria provided, single submitter. Criteria: GeneDx Variant Classification (06012015). Collection method: clinical testing. Allele origin: germline. Affected: yes.
Comment: This variant is denoted APC c.3016C>T at the cDNA level, p.His1006Tyr (H1006Y) at the protein level, and results in the change of a Histidine to a Tyrosine (CAT>TAT). This variant has not, to our knowledge, been published in the literature as a pathogenic variant or a benign polymorphism. APC His1006Tyr was not observed in approximately 6,500 individuals of European and African American ancestry in the NHLBI Exome Sequencing Project, indicating it is not a common benign variant in these populations. Since Histidine and Tyrosine differ in polarity, charge, size or other properties, this is considered a non-conservative amino acid substitution. APC His1006Tyr occurs at a position that is conserved across species and is located within the region responsible for down regulation through a process mediated by direct ubiquitination (UniProt). In silico analyses are inconsistent regarding the effect this variant may have on protein structure and function. Based on currently available information, it is unclear whether APC His1006Tyr is pathogenic or benign. We consider it to be a variant of uncertain significance.